The following is an entry in ClinVar:

ClinVar aggregate classification (germline): Uncertain significance (1 of 4 stars; one submission).

Conditions:
ALMS1-related disorder. Also called: ALMS1-related condition.

Submission:

PreventionGenetics, part of Exact Sciences
Classification: Uncertain significance for ALMS1-related condition. Last evaluated: 2026-05-04. Review status: criteria provided, single submitter. Criteria: ACMG Guidelines, 2015. Collection method: clinical testing. Allele origin: germline.
Comment: The ALMS1 c.11864A>T variant is predicted to result in the amino acid substitution p.His3955Leu. To our knowledge, this variant has not been reported in the literature or in a large population database (gnomAD), indicating this variant is rare. At this time, the clinical significance of this variant is uncertain due to the absence of conclusive functional and genetic evidence.

NM_001378454.1(ALMS1):c.11861A>T (p.Asn3954Ile)

Gene: ALMS1 (ALMS1 centrosome and basal body associated protein; plus strand). Cytogenetic location: 2p13.1.
Variant type: single nucleotide variant.
Coding change: c.11861A>T on transcript NM_001378454.1 (MANE Select); coding-DNA position 11861, A replaced by T.
Protein change: p.Asn3954Ile; replaces asparagine 3954 with isoleucine.
Molecular consequence: missense variant.
Genome position (GRCh38, 1-based): chr2:73,600,870, A>T. VCF-style: chr2-73600870-A-T. GRCh37 (hg19) VCF-style: chr2-73827997-A-T.
Other names: c.11864A>T, p.Asn3955Ile (NM_015120.4); short protein forms N3954I, N3955I.
Identifiers: ClinVar variation 4986176 (VCV004986176.1).